The following is an entry in ClinVar:

NM_000016.6(ACADM):c.331G>T (p.Glu111Ter)

Gene: ACADM (acyl-CoA dehydrogenase medium chain; plus strand). Cytogenetic location: 1p31.1.
Variant type: single nucleotide variant.
Coding change: c.331G>T on transcript NM_000016.6 (MANE Select); coding-DNA position 331, G replaced by T.
Protein change: p.Glu111Ter; replaces glutamic acid 111 with a stop codon.
Molecular consequence: nonsense. On other transcripts: intron variant (1).
Genome position (GRCh38, 1-based): chr1:75,733,572, G>T. VCF-style: chr1-75733572-G-T. GRCh37 (hg19) VCF-style: chr1-76199257-G-T.
Other names: c.343G>T, p.Glu115Ter (NM_001127328.3); c.223G>T, p.Glu75Ter (NM_001286042.2); c.430G>T, p.Glu144Ter (NM_001286043.2); c.-100+650G>T (NM_001286044.2); short protein forms E115*, E111*, E75*, E144*.
Identifiers: ClinVar variation 2818362 (VCV002818362.3), dbSNP rs772061007, ClinGen allele CA340812142.
Genomic context (GRCh38, chr1:75,733,572, plus strand): 5'-CATTTTGATACTGTAGGAGGTCTTGGACTTGGAACTTTTGATGCTTGTTTAATTAGTGAA[G>T]AATTGGCTTATGGATGTACAGGGGTTCAGACTGCTATTGAAGGAAATTCTTTGGGGGTAA-3'

ClinVar aggregate classification (germline): Pathogenic (1 of 4 stars; one submission).

Conditions:
Medium-chain acyl-coenzyme A dehydrogenase deficiency (ACADMD). Also called: MCADD; MCAD Deficiency; CARNITINE DEFICIENCY SECONDARY TO MEDIUM-CHAIN ACYL-CoA DEHYDROGENASE DEFICIENCY; ACADM DEFICIENCY; Medium chain acyl-CoA dehydrogenase deficiency; MCADH DEFICIENCY. Identifiers: Orphanet 42, MedGen C0220710, MONDO:0008721, OMIM 201450.

Submission:

Labcorp Genetics (formerly Invitae), Labcorp
Classification: Pathogenic for Medium-chain acyl-coenzyme A dehydrogenase deficiency. Last evaluated: 2022-12-10. Review status: criteria provided, single submitter. Criteria: Invitae Variant Classification Sherloc (09022015). Collection method: clinical testing. Allele origin: germline.
Comment: For these reasons, this variant has been classified as Pathogenic. Algorithms developed to predict the effect of sequence changes on RNA splicing suggest that this variant may disrupt the consensus splice site. This variant has not been reported in the literature in individuals affected with ACADM-related conditions. This variant is not present in population databases (gnomAD no frequency). This sequence change creates a premature translational stop signal (p.Glu111*) in the ACADM gene. It is expected to result in an absent or disrupted protein product. Loss-of-function variants in ACADM are known to be pathogenic (PMID: 16121256, 20434380).

Literature cited by the submitters: PubMed 16121256; PubMed 20434380.